The following is an entry in ClinVar:

NM_001035.3(RYR2):c.7208C>T (p.Ala2403Val)

Gene: RYR2 (ryanodine receptor 2; plus strand). Cytogenetic location: 1q43.
Variant type: single nucleotide variant.
Coding change: c.7208C>T on transcript NM_001035.3 (MANE Select); coding-DNA position 7208, C replaced by T.
Protein change: p.Ala2403Val; replaces alanine 2403 with valine.
Molecular consequence: missense variant.
Genome position (GRCh38, 1-based): chr1:237,640,989, C>T. VCF-style: chr1-237640989-C-T. GRCh37 (hg19) VCF-style: chr1-237804289-C-T.
Other names: short protein forms A2403V.
Identifiers: ClinVar variation 1757694 (VCV001757694.5), dbSNP rs1681409962, ClinGen allele CA345396806.

ClinVar aggregate classification (germline): Conflicting classifications of pathogenicity. Review status: criteria provided, conflicting classifications (1 of 4 stars). 3 submissions from 3 submitters: Likely pathogenic (1); Uncertain significance (1). 1 of the submissions does not count toward it. Last evaluated 2025-02-17.

Conditions:
RYR2-related disorder. Also called: RYR2-related condition.
Cardiovascular phenotype. Identifiers: MedGen CN230736.
Catecholaminergic polymorphic ventricular tachycardia 1. Also called: VENTRICULAR TACHYCARDIA, CATECHOLAMINERGIC POLYMORPHIC, 1, WITH OR WITHOUT ATRIAL DYSFUNCTION AND/OR DILATED CARDIOMYOPATHY; VENTRICULAR TACHYCARDIA, STRESS-INDUCED POLYMORPHIC 1; RYR2-Related Catecholaminergic Polymorphic Ventricular Tachycardia. Identifiers: Orphanet 3286, MedGen C1631597, MONDO:0011484, OMIM 604772.

Submissions (3):

Victorian Clinical Genetics Services, Murdoch Childrens Research Institute
Classification: Likely pathogenic for Catecholaminergic polymorphic ventricular tachycardia 1. Last evaluated: 2025-02-17. Review status: criteria provided, single submitter. Criteria: ACMG Guidelines, 2015. Collection method: clinical testing. Allele origin: germline. Affected: yes.
Comment: This variant is classified as Likely pathogenic. Evidence in support of pathogenic classification: Variant is absent from gnomAD (v2, v3 and v4); This variant has limited previous evidence of pathogenicity in unrelated individuals. This variant has been classified as likely pathogenic and a VUS by clinical laboratories in ClinVar. It has also been reported in an individual with catecholaminergic polymorphic ventricular tachycardia (CPVT) (PMID: 35353122); Another missense variant comparable to the one identified in this case has moderate previous evidence for pathogenicity. The p.(Ala2403Thr) variant has been reported in the literature in individuals with CPVT and in an individual with a family history of sudden cardiac death, who experienced an aborted cardiac arrest (PMIDs: 29453246, 16188589, 15466642). It has also been classified as a VUS by a clinical laboratory in ClinVar; Missense variant predicted to be damaging by in silico tool(s) or highly conserved with a major amino acid change; Additional information: Variant is predicted to result in a missense amino acid change from alanine to valine; This variant is heterozygous; This gene is associated with autosomal dominant disease; No published functional evidence has been identified for this variant; Variant is not located in an established domain, motif, hotspot or informative constraint region; Dominant negative and gain of function are known mechanisms of disease in this gene and are associated with catecholaminergic polymorphic ventricular tachycardia 1 (MIM#604772), and left ventricular non-compaction (PMIDs: 12459180, 27646203, 29477366, 31875585, 33500567). Loss of function has been reported for ventricular arrhythmias due to cardiac ryanodine receptor calcium release deficiency syndrome (MIM#115000), however a dominant negative mechanism has not been excluded (PMID: 33536282); The condition associated with this gene has incomplete penetrance. Penetrance for CPVT is estimated to be 60-70% (PMID: 23549275).

Ambry Genetics
Classification: Uncertain significance for Cardiovascular phenotype. Last evaluated: 2020-05-01. Review status: criteria provided, single submitter. Criteria: Ambry Variant Classification Scheme 2023. Collection method: clinical testing. Allele origin: germline.

PreventionGenetics, part of Exact Sciences
Classification: Likely pathogenic for RYR2-related condition. Last evaluated: 2024-08-27. Review status: no assertion criteria provided. Collection method: clinical testing. Allele origin: germline. Not counted in ClinVar's aggregate classification.
Comment: The RYR2 c.7208C>T variant is predicted to result in the amino acid substitution p.Ala2403Val. To our knowledge, this variant has not been reported in the literature or in a large population database, indicating this variant is rare. A different nucleotide substitution affecting the same amino acid (p.Ala2403Thr) has been reported in individuals with catecholaminergic polymorphic ventricular tachycardia (Kapplinger et al. 2018. PubMed ID: 29453246; Table S1, Olubando et al. 2020. PubMed ID: 32152366). Taken together, the c.7208C>T (p.Ala2403Val) variant is interpreted as likely pathogenic.

Literature cited by the submitters: PubMed 16188589 (cited by Victorian Clinical Genetics Services, Murdoch Childrens Research Institute); PubMed 29453246 (cited by Victorian Clinical Genetics Services, Murdoch Childrens Research Institute); PubMed 35353122 (cited by Victorian Clinical Genetics Services, Murdoch Childrens Research Institute); PubMed 31875585 (cited by Victorian Clinical Genetics Services, Murdoch Childrens Research Institute); PubMed 23549275 (cited by Victorian Clinical Genetics Services, Murdoch Childrens Research Institute); PubMed 12459180 (cited by Victorian Clinical Genetics Services, Murdoch Childrens Research Institute); PubMed 33500567 (cited by Victorian Clinical Genetics Services, Murdoch Childrens Research Institute); PubMed 29477366 (cited by Victorian Clinical Genetics Services, Murdoch Childrens Research Institute); PubMed 15466642 (cited by Victorian Clinical Genetics Services, Murdoch Childrens Research Institute); PubMed 33536282 (cited by Victorian Clinical Genetics Services, Murdoch Childrens Research Institute); PubMed 27646203 (cited by Victorian Clinical Genetics Services, Murdoch Childrens Research Institute).